The following is an entry in ClinVar:

ClinVar aggregate classification (germline): Uncertain significance. Review status: criteria provided, multiple submitters, no conflicts (2 of 4 stars). 3 submissions from 3 submitters: Uncertain significance (3). Last evaluated 2021-08-24.

Conditions:
Nephronophthisis. Also called: Juvenile Nephronophthisis. Identifiers: Orphanet 655, MedGen C0687120, MONDO:0019005, HP:0000090.
Infantile nephronophthisis (NPHP2). Also called: Nephronophthisis 2, infantile; Nephronophthisis 2. Identifiers: Orphanet 655, Orphanet 93591, MedGen C1865872, MONDO:0011190, OMIM 602088.

Allele frequency attached by ClinVar (database versions not stated): gnomAD 0.00001.
gnomAD v4.1: 4 of 1,614,000 alleles (0.00025%); highest among the groups gnomAD compares: African/African-American, 0.0053%; no homozygotes.

Submissions (3):

Labcorp Genetics (formerly Invitae), Labcorp
Classification: Uncertain significance for Nephronophthisis. Last evaluated: 2021-08-24. Review status: criteria provided, single submitter. Criteria: Invitae Variant Classification Sherloc (09022015). Collection method: clinical testing. Allele origin: germline.
Comment: This sequence change replaces histidine with arginine at codon 941 of the INVS protein (p.His941Arg). The histidine residue is moderately conserved and there is a small physicochemical difference between histidine and arginine. This variant is not present in population databases (ExAC no frequency). This variant has not been reported in the literature in individuals affected with INVS-related conditions. ClinVar contains an entry for this variant (Variation ID: 281735). Algorithms developed to predict the effect of missense changes on protein structure and function (SIFT, PolyPhen-2, Align-GVGD) all suggest that this variant is likely to be tolerated. Algorithms developed to predict the effect of sequence changes on RNA splicing suggest that this variant may create or strengthen a splice site. In summary, the available evidence is currently insufficient to determine the role of this variant in disease. Therefore, it has been classified as a Variant of Uncertain Significance.

Baylor Genetics
Classification: Uncertain significance for Infantile nephronophthisis. Last evaluated: 2018-08-22. Review status: criteria provided, single submitter. Criteria: ACMG Guidelines, 2015. Collection method: clinical testing. Allele origin: maternal. Affected: yes.
Comment: This variant was determined to be of uncertain significance according to ACMG Guidelines, 2015 [PMID:25741868].

Eurofins Ntd Llc (ga)
Classification: Uncertain significance. Last evaluated: 2018-04-26. Review status: criteria provided, single submitter. Criteria: EGL ClinVar v180209 classification definitions. Collection method: clinical testing. Allele origin: germline. Observed: 2 variant alleles, 2 heterozygotes.

NM_014425.5(INVS):c.2822A>G (p.His941Arg)

Gene: INVS (inversin; plus strand). Cytogenetic location: 9q31.1.
Variant type: single nucleotide variant.
Coding change: c.2822A>G on transcript NM_014425.5 (MANE Select); coding-DNA position 2822, A replaced by G.
Protein change: p.His941Arg; replaces histidine 941 with arginine.
Molecular consequence: missense variant. On other transcripts: non-coding transcript variant (1).
Genome position (GRCh38, 1-based): chr9:100,296,952, A>G. VCF-style: chr9-100296952-A-G. GRCh37 (hg19) VCF-style: chr9-103059234-A-G.
Other names: c.2534A>G, p.His845Arg (NM_001318381.2); c.1844A>G, p.His615Arg (NM_001318382.2); short protein forms H941R, H615R, H845R.
Identifiers: ClinVar variation 281735 (VCV000281735.8), dbSNP rs886042226, ClinGen allele CA10603960.